The following is an entry in ClinVar:

NM_001267550.2(TTN):c.28404C>T (p.Thr9468=)

Gene: TTN (titin; minus strand). Cytogenetic location: 2q31.2.
Variant type: single nucleotide variant.
Coding change: c.28404C>T on transcript NM_001267550.2 (MANE Select); coding-DNA position 28404, C replaced by T.
Protein change: p.Thr9468=; no amino-acid change (threonine 9468 retained).
Molecular consequence: synonymous variant. On other transcripts: intron variant (3).
Genome position (GRCh38, 1-based): chr2:178,710,693, G>A on the plus strand (C>T on the coding strand, the complement: TTN is on the minus strand). VCF-style: chr2-178710693-G-A. GRCh37 (hg19) VCF-style: chr2-179575420-G-A.
Other names: c.27453C>T, p.Thr9151= (NM_001256850.1); c.24672C>T, p.Thr8224= (NM_133378.4); c.13282+27389C>T (NM_003319.4); c.13858+27389C>T (NM_133437.4); c.13657+27389C>T (NM_133432.3).
Identifiers: ClinVar variation 739262 (VCV000739262.11), dbSNP rs1459114444, ClinGen allele CA430284050.

ClinVar aggregate classification (germline): Likely benign. Review status: criteria provided, multiple submitters, no conflicts (2 of 4 stars). 2 submissions from 2 submitters: Likely benign (2). Last evaluated 2026-01-01.

Conditions:
Dilated cardiomyopathy 1G (CMD1G). Identifiers: Orphanet 154, MedGen C1858763, MONDO:0011400, OMIM 604145.
Autosomal recessive limb-girdle muscular dystrophy type 2J (LGMDR10). Also called: Limb-girdle muscular dystrophy, type 2J; MUSCULAR DYSTROPHY, LIMB-GIRDLE, AUTOSOMAL RECESSIVE 10. Identifiers: Orphanet 140922, MedGen C1837342, MONDO:0012127, OMIM 608807.

Allele frequency attached by ClinVar (database versions not stated): gnomAD exomes below 0.00001; TOPMed below 0.00001.
gnomAD v4.1: 5 of 1,613,498 alleles (0.00031%); highest among the groups gnomAD compares: Non-Finnish European, 0.00034%; no homozygotes.

Submissions (2):

CeGaT Center for Human Genetics Tuebingen
Classification: Likely benign. Last evaluated: 2026-01-01. Review status: criteria provided, single submitter. Criteria: CeGaT Center For Human Genetics Tuebingen Variant Classification Criteria Version 2. Collection method: clinical testing. Allele origin: germline. Affected: yes. Observed: 1 variant allele.
Comment: TTN: BP4, BP7

Labcorp Genetics (formerly Invitae), Labcorp
Classification: Likely benign for Dilated cardiomyopathy 1G; Autosomal recessive limb-girdle muscular dystrophy type 2J. Last evaluated: 2025-10-09. Review status: criteria provided, single submitter. Criteria: Invitae Variant Classification Sherloc (09022015). Collection method: clinical testing. Allele origin: germline.